The following is an entry in ClinVar:

NM_001164508.2(NEB):c.8599T>C (p.Tyr2867His)

Gene: NEB (nebulin; minus strand). Cytogenetic location: 2q23.3.
Variant type: single nucleotide variant.
Coding change: c.8599T>C on transcript NM_001164508.2 (MANE Select); coding-DNA position 8599, T replaced by C.
Protein change: p.Tyr2867His; replaces tyrosine 2867 with histidine.
Molecular consequence: missense variant.
Genome position (GRCh38, 1-based): chr2:151,640,441, A>G on the plus strand (T>C on the coding strand, the complement: NEB is on the minus strand). VCF-style: chr2-151640441-A-G. GRCh37 (hg19) VCF-style: chr2-152496955-A-G.
Other names: c.8599T>C, p.Tyr2867His (NM_001271208.2, NM_004543.5, NM_001164507.2); short protein forms Y2867H.
Identifiers: ClinVar variation 2185774 (VCV002185774.3), dbSNP rs2098832796, ClinGen allele CA348809953.

ClinVar aggregate classification (germline): Uncertain significance (1 of 4 stars; one submission).

Conditions:
Nemaline myopathy 2 (NEM2). Also called: Nemaline myopathy 2, autosomal recessive. Identifiers: MedGen C1850569, MONDO:0009725, OMIM 256030.

Allele frequency attached by ClinVar (database versions not stated): gnomAD exomes below 0.00001; TOPMed 0.00001.
gnomAD v4.1: 3 of 1,613,938 alleles (0.00019%); highest among the groups gnomAD compares: Non-Finnish European, 0.00025%; no homozygotes.

Submission:

Labcorp Genetics (formerly Invitae), Labcorp
Classification: Uncertain significance for Nemaline myopathy 2. Last evaluated: 2022-04-03. Review status: criteria provided, single submitter. Criteria: Invitae Variant Classification Sherloc (09022015). Collection method: clinical testing. Allele origin: germline.
Comment: This variant is not present in population databases (gnomAD no frequency). This sequence change replaces tyrosine, which is neutral and polar, with histidine, which is basic and polar, at codon 2867 of the NEB protein (p.Tyr2867His). This variant has not been reported in the literature in individuals affected with NEB-related conditions. In summary, the available evidence is currently insufficient to determine the role of this variant in disease. Therefore, it has been classified as a Variant of Uncertain Significance. Algorithms developed to predict the effect of missense changes on protein structure and function are either unavailable or do not agree on the potential impact of this missense change (SIFT: "Deleterious"; PolyPhen-2: "Not Available"; Align-GVGD: "Class C0").